The following is an entry in ClinVar:

NM_021831.6(AGBL5):c.1535+18A>G

Gene: AGBL5 (AGBL carboxypeptidase 5; plus strand). Cytogenetic location: 2p23.3.
Variant type: single nucleotide variant.
Coding change: c.1535+18A>G on transcript NM_021831.6 (MANE Select); 18 bases into the intron after coding-DNA position 1535, A replaced by G.
Molecular consequence: intron variant.
Genome position (GRCh38, 1-based): chr2:27,056,810, A>G. VCF-style: chr2-27056810-A-G. GRCh37 (hg19) VCF-style: chr2-27279678-A-G.
Other names: c.1535+18A>G (NM_001035507.3).
Identifiers: ClinVar variation 1498319 (VCV001498319.6), dbSNP rs2148279129, ClinGen allele CA2573134492.
Genomic context (GRCh38, chr2:27,056,810, plus strand): 5'-GCGGCCGTGTTGCAATCTACAAAGCCTCAGGGATAATCCACAGGTTGGGTGGAAGCTGAG[A>G]TATAGTTGATGAAATAGCTTCCCTAAAGAAAACACCGTAGCTGGGTGTGGTGGTGCATGC-3'

ClinVar aggregate classification (germline): Uncertain significance (1 of 4 stars; one submission).

Submission:

Labcorp Genetics (formerly Invitae), Labcorp
Classification: Uncertain significance. Last evaluated: 2021-10-22. Review status: criteria provided, single submitter. Criteria: Invitae Variant Classification Sherloc (09022015). Collection method: clinical testing. Allele origin: germline.
Comment: In summary, the available evidence is currently insufficient to determine the role of this variant in disease. Therefore, it has been classified as a Variant of Uncertain Significance. Algorithms developed to predict the effect of sequence changes on RNA splicing suggest that this variant may create or strengthen a splice site. This variant has not been reported in the literature in individuals affected with AGBL5-related conditions. This variant is not present in population databases (gnomAD no frequency). This sequence change falls in intron 8 of the AGBL5 gene. It does not directly change the encoded amino acid sequence of the AGBL5 protein.